The following is an entry in ClinVar:

ClinVar aggregate classification (germline): Uncertain significance (1 of 4 stars; one submission).

Allele frequency attached by ClinVar (database versions not stated): gnomAD exomes below 0.00001.
gnomAD v4.1: 1 of 1,613,756 alleles (0.000062%); highest among the groups gnomAD compares: Non-Finnish European, 0.000085%; no homozygotes.

Submission:

Ambry Genetics
Classification: Uncertain significance. Last evaluated: 2025-01-19. Review status: criteria provided, single submitter. Criteria: Ambry Variant Classification Scheme 2023. Collection method: clinical testing. Allele origin: germline.
Comment: The p.P333L variant (also known as c.998C>T), located in coding exon 9 of the FAM175A gene, results from a C to T substitution at nucleotide position 998. The proline at codon 333 is replaced by leucine, an amino acid with similar properties. This amino acid position is conserved. In addition, this alteration is predicted to be tolerated by in silico analysis. Since supporting evidence is limited at this time, the clinical significance of this alteration remains unclear.

NM_139076.3(ABRAXAS1):c.998C>T (p.Pro333Leu)

Gene: ABRAXAS1 (abraxas 1, BRCA1 A complex subunit; minus strand). Cytogenetic location: 4q21.23.
Variant type: single nucleotide variant.
Coding change: c.998C>T on transcript NM_139076.3 (MANE Select); coding-DNA position 998, C replaced by T.
Protein change: p.Pro333Leu; replaces proline 333 with leucine.
Molecular consequence: missense variant.
Genome position (GRCh38, 1-based): chr4:83,462,701, G>A on the plus strand (C>T on the coding strand, the complement: ABRAXAS1 is on the minus strand). VCF-style: chr4-83462701-G-A. GRCh37 (hg19) VCF-style: chr4-84383854-G-A.
Other names: c.671C>T, p.Pro224Leu (NM_001345962.2); short protein forms P224L, P333L.
Identifiers: ClinVar variation 1800174 (VCV001800174.3), dbSNP rs2529418551, ClinGen allele CA357255562.